The following is an entry in ClinVar:

NM_001395656.1(ROBO2):c.2201G>A (p.Arg734His)

Genes: ROBO2 (roundabout guidance receptor 2; plus strand), LOC126806727 (BRD4-independent group 4 enhancer GRCh37_chr3:77623115-77624314; plus strand). Cytogenetic location: 3p12.3.
Variant type: single nucleotide variant.
Coding change: c.2201G>A on transcript NM_001395656.1 (MANE Select); coding-DNA position 2201, G replaced by A.
Protein change: p.Arg734His; replaces arginine 734 with histidine.
Molecular consequence: missense variant.
Genome position (GRCh38, 1-based): chr3:77,574,716, G>A. VCF-style: chr3-77574716-G-A. GRCh37 (hg19) VCF-style: chr3-77623867-G-A.
Other names: c.2237G>A, p.Arg746His (NM_001128929.3); c.2201G>A, p.Arg734His (NM_001290039.2, NM_001290040.2, NM_001378202.1); c.410G>A, p.Arg137His (NM_001290065.2); c.2249G>A, p.Arg750His (NM_001378190.1, NM_001378191.1, NM_001378195.1 and 4 more transcripts); c.2270G>A, p.Arg757His (NM_001378192.1, NM_001378194.1, NM_001378198.1 and 2 more transcripts); c.2189G>A, p.Arg730His (NM_001378193.1, NM_001378197.1, NM_002942.5); c.2258G>A, p.Arg753His (NM_001394212.1, NM_001394214.1, NM_001395657.1); c.2189G>A (NM_002942.4); short protein forms R750H, R137H, R734H, R746H, R730H, R753H, R757H.
Identifiers: ClinVar variation 2067223 (VCV002067223.6), dbSNP rs757428363, ClinGen allele CA2497252.
Genomic context (GRCh38, chr3:77,574,716, plus strand): 5'-TTAAAGTACGGCCATATTTTAATGAGTTCCAAGGAATGGATAGTGAATCTAAAACGGTTC[G>A]TACTACTGAAGAAGGTCAGTATTCAGATTTCGAATATAAATCAAACATGATGAAACCAAT-3'
Protein context (NP_001382585.1, residues 724-744): QGMDSESKTV[Arg734His]TTEEAPSAPP

ClinVar aggregate classification (germline): Uncertain significance. Review status: criteria provided, multiple submitters, no conflicts (2 of 4 stars). 2 submissions from 2 submitters: Uncertain significance (2). Last evaluated 2025-10-01.

Conditions:
Inborn genetic diseases. Identifiers: MedGen C0950123, MeSH D030342.

Allele frequency attached by ClinVar (database versions not stated): gnomAD exomes 0.00001; ExAC 0.00003; gnomAD 0.00003; TOPMed 0.00003.
gnomAD v4.1: 19 of 1,612,092 alleles (0.0012%); highest among the groups gnomAD compares: Admixed American, 0.017%; no homozygotes.

Submissions (2):

Labcorp Genetics (formerly Invitae), Labcorp
Classification: Uncertain significance. Last evaluated: 2025-10-01. Review status: criteria provided, single submitter. Criteria: Invitae Variant Classification Sherloc (09022015). Collection method: clinical testing. Allele origin: germline.
Comment: This sequence change replaces arginine, which is basic and polar, with histidine, which is basic and polar, at codon 730 of the ROBO2 protein (p.Arg730His). This variant is present in population databases (rs757428363, gnomAD 0.03%). This variant has not been reported in the literature in individuals affected with ROBO2-related conditions. ClinVar contains an entry for this variant (Variation ID: 2067223). Invitae Evidence Modeling of protein sequence and biophysical properties (such as structural, functional, and spatial information, amino acid conservation, physicochemical variation, residue mobility, and thermodynamic stability) indicates that this missense variant is not expected to disrupt ROBO2 protein function with a negative predictive value of 95%. In summary, the available evidence is currently insufficient to determine the role of this variant in disease. Therefore, it has been classified as a Variant of Uncertain Significance.

Ambry Genetics
Classification: Uncertain significance for Inborn genetic diseases. Last evaluated: 2025-08-20. Review status: criteria provided, single submitter. Criteria: Ambry Variant Classification Scheme 2023. Collection method: clinical testing. Allele origin: germline.